The following is an entry in ClinVar:

NM_001970.5(EIF5A):c.337C>T (p.Arg113Cys)

Gene: EIF5A (eukaryotic translation initiation factor 5A; plus strand). Cytogenetic location: 17p13.1.
Variant type: single nucleotide variant.
Coding change: c.337C>T on transcript NM_001970.5 (MANE Select); coding-DNA position 337, C replaced by T.
Protein change: p.Arg113Cys; replaces arginine 113 with cysteine.
Molecular consequence: missense variant.
Genome position (GRCh38, 1-based): chr17:7,311,416, C>T. VCF-style: chr17-7311416-C-T. GRCh37 (hg19) VCF-style: chr17-7214735-C-T.
Other names: c.427C>T, p.Arg143Cys (NM_001143760.1); c.337C>T, p.Arg113Cys (NM_001143761.1, NM_001143762.2, NM_001370420.1 and 1 more transcripts); short protein forms R113C, R143C.
Identifiers: ClinVar variation 3253038 (VCV003253038.1), dbSNP rs1305253603.

ClinVar aggregate classification (germline): Uncertain significance (1 of 4 stars; one submission).

Allele frequency attached by ClinVar (database versions not stated): gnomAD 0.00001.

Submission:

GeneDx
Classification: Uncertain significance. Last evaluated: 2023-10-24. Review status: criteria provided, single submitter. Criteria: GeneDx Variant Classification Process June 2021. Collection method: clinical testing. Allele origin: germline. Affected: yes.
Comment: In silico analysis supports that this missense variant has a deleterious effect on protein structure/function; Has not been previously published as pathogenic or benign to our knowledge